The following is an entry in ClinVar:

ClinVar aggregate classification (germline): Benign (1 of 4 stars; one submission).

Conditions:
Primary ciliary dyskinesia 3. Identifiers: Orphanet 244, MedGen C1837618, MONDO:0012085, OMIM 608644.

Allele frequency attached by ClinVar (database versions not stated): gnomAD 0.00953 and 0.01013; TOPMed 0.01062; 1000 Genomes Project 0.01318; 1000 Genomes Project 30x 0.01437.

Submission:

Illumina Laboratory Services, Illumina
Classification: Benign for Primary ciliary dyskinesia 3. Last evaluated: 2018-01-13. Review status: criteria provided, single submitter. Criteria: ICSL Variant Classification Criteria 13 December 2019. Collection method: clinical testing. Allele origin: germline.
Comment: This variant was observed in the ICSL laboratory as part of a predisposition screen in an ostensibly healthy population. It had not been previously curated by ICSL or reported in the Human Gene Mutation Database (HGMD: prior to June 1st, 2018), and was therefore a candidate for classification through an automated scoring system. Utilizing variant allele frequency, disease prevalence and penetrance estimates, and inheritance mode, an automated score was calculated to assess if this variant is too frequent to cause the disease. Based on the score and internal cut-off values, a variant classified as benign is not then subjected to further curation. The score for this variant resulted in a classification of benign for this disease.

NM_001369.3(DNAH5):c.*1591T>A

Gene: DNAH5 (dynein axonemal heavy chain 5; minus strand). Cytogenetic location: 5p15.2.
Variant type: single nucleotide variant.
Coding change: c.*1591T>A on transcript NM_001369.3 (MANE Select); 1591 bases downstream of the stop codon, T replaced by A.
Molecular consequence: 3 prime UTR variant.
Genome position (GRCh38, 1-based): chr5:13,690,393, A>T on the plus strand (T>A on the coding strand, the complement: DNAH5 is on the minus strand). VCF-style: chr5-13690393-A-T. GRCh37 (hg19) VCF-style: chr5-13690502-A-T.
Identifiers: ClinVar variation 907850 (VCV000907850.4), dbSNP rs115520709, ClinGen allele CA113904906.
Genomic context (GRCh38, chr5:13,690,393, plus strand): 5'-TAAAAACATTTTATTAATTCCTATGATGTTGACATTTTCATTACTTGCTTTTCAAAATGA[A>T]ATGATTGTTTCACCACAATTCACACAAATCAACTGATATACTAATCCACACCAAAAGAAA-3'